The following is an entry in ClinVar:

ClinVar aggregate classification (germline): Uncertain significance (1 of 4 stars; one submission).

Allele frequency attached by ClinVar (database versions not stated): TOPMed below 0.00001; ExAC 0.00001.
gnomAD v4.1: 1 of 1,611,324 alleles (0.000062%); highest among the groups gnomAD compares: Non-Finnish European, 0.000085%; no homozygotes.

Submission:

Labcorp Genetics (formerly Invitae), Labcorp
Classification: Uncertain significance. Last evaluated: 2023-08-09. Review status: criteria provided, single submitter. Criteria: Invitae Variant Classification Sherloc (09022015). Collection method: clinical testing. Allele origin: germline.
Comment: This sequence change replaces arginine, which is basic and polar, with histidine, which is basic and polar, at codon 396 of the RFWD3 protein (p.Arg396His). This variant is present in population databases (rs757213550, gnomAD 0.007%). This variant has not been reported in the literature in individuals affected with RFWD3-related conditions. Algorithms developed to predict the effect of missense changes on protein structure and function output the following: SIFT: "Not Available"; PolyPhen-2: "Benign"; Align-GVGD: "Not Available". The histidine amino acid residue is found in multiple mammalian species, which suggests that this missense change does not adversely affect protein function. In summary, the available evidence is currently insufficient to determine the role of this variant in disease. Therefore, it has been classified as a Variant of Uncertain Significance.

NM_018124.4(RFWD3):c.1187G>A (p.Arg396His)

Gene: RFWD3 (ring finger and WD repeat domain 3; minus strand). Cytogenetic location: 16q23.1.
Variant type: single nucleotide variant.
Coding change: c.1187G>A on transcript NM_018124.4 (MANE Select); coding-DNA position 1187, G replaced by A.
Protein change: p.Arg396His; replaces arginine 396 with histidine.
Molecular consequence: missense variant.
Genome position (GRCh38, 1-based): chr16:74,637,863, C>T on the plus strand (G>A on the coding strand, the complement: RFWD3 is on the minus strand). VCF-style: chr16-74637863-C-T. GRCh37 (hg19) VCF-style: chr16-74671761-C-T.
Other names: c.1187G>A, p.Arg396His (NM_001370534.1, NM_001370535.1, NM_001370536.1); c.353G>A, p.Arg118His (NM_001370537.1, NM_001370539.1, NM_001370540.1 and 3 more transcripts); short protein forms R118H, R396H.
Identifiers: ClinVar variation 2875147 (VCV002875147.3), dbSNP rs757213550, ClinGen allele CA8169292.